The following is an entry in ClinVar:

NM_006790.3(MYOT):c.709G>A (p.Val237Met)

Genes: PKD2L2-DT (PKD2L2 divergent transcript; minus strand), MYOT (myotilin; plus strand). Cytogenetic location: 5q31.2.
Variant type: single nucleotide variant.
Coding change: c.709G>A on transcript NM_006790.3 (MANE Select); coding-DNA position 709, G replaced by A.
Protein change: p.Val237Met; replaces valine 237 with methionine.
Molecular consequence: missense variant.
Genome position (GRCh38, 1-based): chr5:137,881,998, G>A. VCF-style: chr5-137881998-G-A. GRCh37 (hg19) VCF-style: chr5-137217687-G-A.
Other names: c.157G>A, p.Val53Met (NM_001135940.2); c.364G>A, p.Val122Met (NM_001300911.2); short protein forms V237M, V122M, V53M.
Identifiers: ClinVar variation 2127450 (VCV002127450.4), dbSNP rs749030207, ClinGen allele CA3423026.
Genomic context (GRCh38, chr5:137,881,998, plus strand): 5'-ATTTACGCATAGTTGTTACCAAAATATTCTTGTAGAAGTAGATCAACCTCAAGGGGAGAT[G>A]TGAATGATCAGGATGCAATCCAGGAGAAATTTTACCCACCACGTTTCATTCAAGTGCCAG-3'
Protein context (NP_006781.1, residues 227-247): VRSRSTSRGD[Val237Met]NDQDAIQEKF

ClinVar aggregate classification (germline): Uncertain significance (1 of 4 stars; one submission).

Conditions:
Myofibrillar myopathy 3 (MFM3). Also called: Muscular dystrophy, proximal, type 1A; Autosomal dominant spheroid body myopathy. Identifiers: Orphanet 266, Orphanet 268129, MedGen C3714934, MONDO:0012215, OMIM 609200.

Allele frequency attached by ClinVar (database versions not stated): gnomAD exomes below 0.00001; TOPMed below 0.00001; ExAC 0.00001; gnomAD 0.00001.
gnomAD v4.1: 4 of 1,613,924 alleles (0.00025%); highest among the groups gnomAD compares: Non-Finnish European, 0.00034%; no homozygotes.

Submission:

Labcorp Genetics (formerly Invitae), Labcorp
Classification: Uncertain significance for Myofibrillar myopathy 3. Last evaluated: 2024-10-17. Review status: criteria provided, single submitter. Criteria: Invitae Variant Classification Sherloc (09022015). Collection method: clinical testing. Allele origin: germline.
Comment: This sequence change replaces valine, which is neutral and non-polar, with methionine, which is neutral and non-polar, at codon 237 of the MYOT protein (p.Val237Met). This variant is present in population databases (rs749030207, gnomAD 0.0009%). This variant has not been reported in the literature in individuals affected with MYOT-related conditions. ClinVar contains an entry for this variant (Variation ID: 2127450). Invitae Evidence Modeling of protein sequence and biophysical properties (such as structural, functional, and spatial information, amino acid conservation, physicochemical variation, residue mobility, and thermodynamic stability) indicates that this missense variant is not expected to disrupt MYOT protein function with a negative predictive value of 80%. In summary, the available evidence is currently insufficient to determine the role of this variant in disease. Therefore, it has been classified as a Variant of Uncertain Significance.